The following is an entry in ClinVar:

ClinVar aggregate classification (germline): Uncertain significance. Review status: criteria provided, multiple submitters, no conflicts (2 of 4 stars). 2 submissions from 2 submitters: Uncertain significance (2). Last evaluated 2020-02-03.

Conditions:
Ataxia-telangiectasia syndrome (AT). Also called: ATAXIA-TELANGIECTASIA, COMPLEMENTATION GROUP A; ATAXIA-TELANGIECTASIA, FRESNO VARIANT; Ataxia-telangiectasia, complementation group E; Ataxia telangiectasia (A-T); LOUIS-BAR SYNDROME; Cerebello-oculocutaneous telangiectasia. Identifiers: Orphanet 100, MedGen C0004135, MONDO:0008840, OMIM 208900.
Hereditary cancer-predisposing syndrome. Also called: Neoplastic Syndromes, Hereditary; Hereditary Cancer Syndrome; Hereditary neoplastic syndrome; Tumor predisposition. Identifiers: Orphanet 140162, MedGen C0027672, MeSH D009386, MONDO:0015356.

gnomAD v4.1: 1 of 1,613,892 alleles (0.000062%); highest among the groups gnomAD compares: Non-Finnish European, 0.000085%; no homozygotes.

Submissions (2):

Labcorp Genetics (formerly Invitae), Labcorp
Classification: Uncertain significance for Ataxia-telangiectasia syndrome. Last evaluated: 2020-02-03. Review status: criteria provided, single submitter. Criteria: Invitae Variant Classification Sherloc (09022015). Collection method: clinical testing. Allele origin: germline.
Comment: In summary, the available evidence is currently insufficient to determine the role of this variant in disease. Therefore, it has been classified as a Variant of Uncertain Significance. Algorithms developed to predict the effect of missense changes on protein structure and function are either unavailable or do not agree on the potential impact of this missense change (SIFT: "Deleterious"; PolyPhen-2: "Probably Damaging"; Align-GVGD: "Class C0"). This variant has not been reported in the literature in individuals with ATM-related conditions. This variant is not present in population databases (ExAC no frequency). This sequence change replaces asparagine with threonine at codon 246 of the ATM protein (p.Asn246Thr). The asparagine residue is moderately conserved and there is a small physicochemical difference between asparagine and threonine.

Ambry Genetics
Classification: Uncertain significance for Hereditary cancer-predisposing syndrome. Last evaluated: 2018-12-13. Review status: criteria provided, single submitter. Criteria: Ambry Variant Classification Scheme 2023. Collection method: clinical testing. Allele origin: germline.
Comment: The p.N246T variant (also known as c.737A>C), located in coding exon 6 of the ATM gene, results from an A to C substitution at nucleotide position 737. The asparagine at codon 246 is replaced by threonine, an amino acid with similar properties. This amino acid position is highly conserved in available vertebrate species. In addition, this alteration is predicted to be tolerated by in silico analysis. Since supporting evidence is limited at this time, the clinical significance of this alteration remains unclear.

NM_000051.4(ATM):c.737A>C (p.Asn246Thr)

Gene: ATM (ATM serine/threonine kinase; plus strand). Cytogenetic location: 11q22.3.
Variant type: single nucleotide variant.
Coding change: c.737A>C on transcript NM_000051.4 (MANE Select); coding-DNA position 737, A replaced by C.
Protein change: p.Asn246Thr; replaces asparagine 246 with threonine.
Molecular consequence: missense variant.
Genome position (GRCh38, 1-based): chr11:108,244,862, A>C. VCF-style: chr11-108244862-A-C. GRCh37 (hg19) VCF-style: chr11-108115589-A-C.
Other names: c.737A>C, p.Asn246Thr (NM_001351834.2); short protein forms N246T.
Identifiers: ClinVar variation 827000 (VCV000827000.13), dbSNP rs781023264, ClinGen allele CA382529246.